The following is an entry in ClinVar:

ClinVar aggregate classification (germline): Uncertain significance (1 of 4 stars; one submission).

gnomAD v4.1: 1 of 1,613,946 alleles (0.000062%); highest among the groups gnomAD compares: Non-Finnish European, 0.000085%; no homozygotes.

Submission:

GeneDx
Classification: Uncertain significance. Last evaluated: 2025-07-18. Review status: criteria provided, single submitter. Criteria: GeneDx Variant Classification Process June 2021. Collection method: clinical testing. Allele origin: germline. Affected: yes.
Comment: Not observed at significant frequency in large population cohorts (gnomAD); In silico analysis suggests that this missense variant does not alter protein structure/function; Has not been previously published as pathogenic or benign to our knowledge

NM_001220.5(CAMK2B):c.1025A>G (p.Lys342Arg)

Gene: CAMK2B (calcium/calmodulin dependent protein kinase II beta; minus strand). Cytogenetic location: 7p13.
Variant type: single nucleotide variant.
Coding change: c.1025A>G on transcript NM_001220.5 (MANE Select); coding-DNA position 1025, A replaced by G.
Protein change: p.Lys342Arg; replaces lysine 342 with arginine.
Molecular consequence: missense variant. On other transcripts: intron variant (1).
Genome position (GRCh38, 1-based): chr7:44,234,673, T>C on the plus strand (A>G on the coding strand, the complement: CAMK2B is on the minus strand). VCF-style: chr7-44234673-T-C. GRCh37 (hg19) VCF-style: chr7-44274272-T-C.
Other names: c.1025A>G, p.Lys342Arg (NM_001293170.2, NM_172078.3, NM_172082.3); c.953A>G, p.Lys318Arg (NM_172079.3, NM_172081.3, NM_172083.3); c.950A>G, p.Lys317Arg (NM_172080.3); c.946+6034A>G (NM_172084.3); short protein forms K317R, K318R, K342R.
Identifiers: ClinVar variation 4686386 (VCV004686386.1).